The following is an entry in ClinVar:

ClinVar aggregate classification (germline): Pathogenic. Review status: criteria provided, multiple submitters, no conflicts (2 of 4 stars). 4 submissions from 4 submitters: Pathogenic (3). 1 of the submissions does not count toward it. Last evaluated 2022-03-15.

Conditions:
Neurofibroma. Identifiers: Orphanet 252183, MedGen C0027830, MeSH D009455, MONDO:0016755, HP:0001067.
Neurofibromatosis, type 1 (NF1). Also called: NEUROFIBROMATOSIS, TYPE I, SOMATIC; VON RECKLINGHAUSEN DISEASE; Peripheral type neurofibromatosis; Neurofibromatosis, type I. Identifiers: Orphanet 636, MedGen C0027831, MONDO:0018975, OMIM 162200. Disease mechanism: loss of function.

Submissions (4):

Genome-Nilou Lab
Classification: Pathogenic for Neurofibromatosis, type 1. Last evaluated: 2022-03-15. Review status: criteria provided, single submitter. Criteria: ACMG Guidelines, 2015. Collection method: clinical testing. Allele origin: germline. Affected: no.

GeneDx
Classification: Pathogenic. Last evaluated: 2021-09-21. Review status: criteria provided, single submitter. Criteria: GeneDx Variant Classification Process June 2021. Collection method: clinical testing. Allele origin: germline. Affected: yes.
Comment: Canonical splice site variant predicted to result in a null allele in a gene for which loss-of-function is a known mechanism of disease; Not observed at significant frequency in large population cohorts (gnomAD); This variant is associated with the following publications: (PMID: 31533651)

Labcorp Genetics (formerly Invitae), Labcorp
Classification: Pathogenic for Neurofibromatosis, type 1. Last evaluated: 2020-06-07. Review status: criteria provided, single submitter. Criteria: Invitae Variant Classification Sherloc (09022015). Collection method: clinical testing. Allele origin: germline.
Comment: This variant is not present in population databases (ExAC no frequency). For these reasons, this variant has been classified as Pathogenic. Donor and acceptor splice site variants typically lead to a loss of protein function (PMID: 16199547), and loss-of-function variants in NF1 are known to be pathogenic (PMID: 10712197, 23913538). Algorithms developed to predict the effect of sequence changes on RNA splicing suggest that this variant may disrupt the consensus splice site, but this prediction has not been confirmed by published transcriptional studies. This variant has been observed in individual(s) with neurofibromatosis type 1 (PMID: 31533651). ClinVar contains an entry for this variant (Variation ID: 635818). This sequence change affects an acceptor splice site in intron 49 of the NF1 gene. It is expected to disrupt RNA splicing and likely results in an absent or disrupted protein product.

Department of Ophthalmology, Shanghai Ninth people hospital, Shanghai Ninth People's Hospital, Shanghai Jiao Tong University
Classification: Pathogenic for Neurofibroma. Last evaluated: 2019-06-29. Review status: no assertion criteria provided. Collection method: clinical testing. Allele origin: germline. Affected: yes. Not counted in ClinVar's aggregate classification.

Literature cited by the submitters: PubMed 16199547 (cited by Labcorp Genetics (formerly Invitae), Labcorp); PubMed 10712197 (cited by Labcorp Genetics (formerly Invitae), Labcorp); PubMed 23913538 (cited by Labcorp Genetics (formerly Invitae), Labcorp); PubMed 31533651 (cited by Labcorp Genetics (formerly Invitae), Labcorp).

NM_001042492.3(NF1):c.7458-1G>C

Gene: NF1 (neurofibromin 1; plus strand). Cytogenetic location: 17q11.2.
Variant type: single nucleotide variant.
Coding change: c.7458-1G>C on transcript NM_001042492.3 (MANE Select); the canonical splice acceptor site of the intron before coding-DNA position 7458, G replaced by C.
Molecular consequence: splice acceptor variant.
Genome position (GRCh38, 1-based): chr17:31,352,256, G>C. VCF-style: chr17-31352256-G-C. GRCh37 (hg19) VCF-style: chr17-29679274-G-C.
Other names: c.7395-1G>C (NM_000267.4).
Identifiers: ClinVar variation 635818 (VCV000635818.10), dbSNP rs1597862012, ClinGen allele CA399017387.
Genomic context (GRCh38, chr17:31,352,256, plus strand): 5'-AAACGATGGTTGTATTTGTCACCATATTAATTGATTTTTCTCTATTGTTTTCATCTTTCA[G>C]GACACTAAAGGAGACTCAGCCATGGTCCTCTCCCAAAGGTTCTGAAGGATACCTTGCAGC-3'